The following is an entry in ClinVar:

NM_001458.5(FLNC):c.5408G>A (p.Arg1803Gln)

Genes: FLNC-AS1 (FLNC antisense RNA 1; minus strand), FLNC (filamin C; plus strand). Cytogenetic location: 7q32.1.
Variant type: single nucleotide variant.
Coding change: c.5408G>A on transcript NM_001458.5 (MANE Select); coding-DNA position 5408, G replaced by A.
Protein change: p.Arg1803Gln; replaces arginine 1803 with glutamine.
Molecular consequence: missense variant.
Genome position (GRCh38, 1-based): chr7:128,850,812, G>A. VCF-style: chr7-128850812-G-A. GRCh37 (hg19) VCF-style: chr7-128490866-G-A.
Other names: c.5309G>A, p.Arg1770Gln (NM_001127487.2); short protein forms R1770Q, R1803Q.
Identifiers: ClinVar variation 641657 (VCV000641657.12), dbSNP rs757482925, ClinGen allele CA4475688.

ClinVar aggregate classification (germline): Conflicting classifications of pathogenicity. Review status: criteria provided, conflicting classifications (1 of 4 stars). 3 submissions from 3 submitters: Uncertain significance (2); Likely benign (1). Last evaluated 2025-10-13.

Conditions:
Primary dilated cardiomyopathy (DCM). Also called: Dilated Cardiomyopathy. Identifiers: Orphanet 217604, MedGen C0007193, MeSH D002311, MONDO:0005021, HP:0001644. Inheritance: Various modes of inheritance.
Distal myopathy with posterior leg and anterior hand involvement. Also called: WILLIAMS DISTAL MYOPATHY. Identifiers: Orphanet 63273, MedGen C3279722, MONDO:0013550, OMIM 614065.
Myofibrillar myopathy 5. Also called: FILAMINOPATHY, AUTOSOMAL DOMINANT; Filaminopathy (type). Identifiers: Orphanet 171445, MedGen C1836050, MONDO:0012289, OMIM 609524.
Hypertrophic cardiomyopathy 26. Also called: Cardiomyopathy, familial hypertrophic, 26. Identifiers: Orphanet 75249, MedGen C4310749, MONDO:0014883, OMIM 617047.
Cardiovascular phenotype. Identifiers: MedGen CN230736.

Allele frequency attached by ClinVar (database versions not stated): ExAC 0.00002; gnomAD 0.00002 and 0.00003; gnomAD exomes 0.00003; TOPMed 0.00003.
gnomAD v4.1: 55 of 1,613,630 alleles (0.0034%); highest among the groups gnomAD compares: South Asian, 0.012%; 1 homozygote.

Submissions (3):

Labcorp Genetics (formerly Invitae), Labcorp
Classification: Likely benign for Distal myopathy with posterior leg and anterior hand involvement; Myofibrillar myopathy 5; Hypertrophic cardiomyopathy 26. Last evaluated: 2025-10-13. Review status: criteria provided, single submitter. Criteria: Invitae Variant Classification Sherloc (09022015). Collection method: clinical testing. Allele origin: germline.

Ambry Genetics
Classification: Uncertain significance for Cardiovascular phenotype. Last evaluated: 2023-12-13. Review status: criteria provided, single submitter. Criteria: Ambry Variant Classification Scheme 2023. Collection method: clinical testing. Allele origin: germline.

Victorian Clinical Genetics Services, Murdoch Childrens Research Institute
Classification: Uncertain significance for Primary dilated cardiomyopathy. Last evaluated: 2022-02-02. Review status: criteria provided, single submitter. Criteria: ACMG Guidelines, 2015. Collection method: clinical testing. Allele origin: germline. Inheritance: Autosomal dominant inheritance. Affected: yes.
Comment: Based on the classification scheme VCGS_Germline_v1.3.4, this variant is classified as VUS-3B. Following criteria are met: 0103 - Loss of function and gain of function are known mechanisms of disease in this gene. Loss of function is the established mechanism of disease for variants in dilated cardiomyopathy, hypertrophic cardiomyopathy, restrictive cardiomyopathy (MIM#617047) and myofibrillar myopathy (MIM#609524). In distal myopathy (MIM#614065), NMD-predicted variants cause a loss of function, however missense variants have been shown to result in a toxic gain of function (PMID: 32112656). (I) 0107 - This gene is associated with autosomal dominant disease. Variants located throughout the gene that are predicted to result in nonsense-mediated decay (NMD) are enriched in dilated cardiomyopathy, whereas missense variants in the ROD2 domain are enriched in hypertrophic cardiomyopathy and restrictive cardiomyopathy (MIM#617047). Additionally, myofibrillar myopathy (MIM#609524) is known to result from either missense variants in the ROD2 domain or truncating variants in the Ig-like domain 24, while missense variants in the actin-binding domain and NMD-predicted variants located in the Ig-like domain 15 and have been reported for distal myopathy (MIM#614065) (PMID: 32112656). (I) 0200 - Variant is predicted to result in a missense amino acid change from arginine to glutamine. (I) 0251 - This variant is heterozygous. (I) 0302 - Variant is present in gnomAD (v3) <0.001 for a dominant condition (3 heterozygotes, 1 homozygote). (SP) 0309 - An alternative amino acid change at the same position has been observed in gnomAD (v2) (5 heterozygotes, 0 homozygotes). (I) 0502 - Missense variant with conflicting in silico predictions and uninformative conservation. (I) 0600 - Variant is located in the annotated filamin (16) domain (UniProt). (I) 0705 - No comparable missense variants have previous evidence for pathogenicity. (I) 0809 - Previous evidence of pathogenicity for this variant is inconclusive. This variant has one VUS entry in ClinVar. (I) 0905 - No published segregation evidence has been identified for this variant. (I) 1007 - No published functional evidence has been identified for this variant. (I) 1208 - Inheritance information for this variant is not currently available in this individual. (I) Legend: (SP) - Supporting pathogenic, (I) - Information, (SB) - Supporting benign

Literature cited by the submitters: PubMed 32112656 (cited by Victorian Clinical Genetics Services, Murdoch Childrens Research Institute).